The following is an entry in ClinVar:

ClinVar aggregate classification (germline): Likely benign (1 of 4 stars; one submission).

Conditions:
OTOG-related disorder. Also called: OTOG-related condition.

Submission:

PreventionGenetics, part of Exact Sciences
Classification: Likely benign for OTOG-related condition. Last evaluated: 2025-09-02. Review status: criteria provided, single submitter. Criteria: ACMG Guidelines, 2015. Collection method: clinical testing. Allele origin: germline.
Comment: This variant is classified as likely benign based on ACMG/AMP sequence variant interpretation guidelines (Richards et al. 2015 PMID: 25741868, with internal and published modifications).

NM_001292063.2(OTOG):c.5940G>T (p.Leu1980=)

Gene: OTOG (otogelin; plus strand). Cytogenetic location: 11p15.1.
Variant type: single nucleotide variant.
Coding change: c.5940G>T on transcript NM_001292063.2 (MANE Select); coding-DNA position 5940, G replaced by T.
Protein change: p.Leu1980=; no amino-acid change (leucine 1980 retained).
Molecular consequence: synonymous variant.
Genome position (GRCh38, 1-based): chr11:17,611,240, G>T. VCF-style: chr11-17611240-G-T. GRCh37 (hg19) VCF-style: chr11-17632787-G-T.
Other names: c.5976G>T, p.Leu1992= (NM_001277269.2).
Identifiers: ClinVar variation 4980582 (VCV004980582.1).